The following is an entry in ClinVar:

ClinVar aggregate classification (germline): Uncertain significance. Review status: criteria provided, multiple submitters, no conflicts (2 of 4 stars). 4 submissions from 4 submitters: Uncertain significance (4). Last evaluated 2024-12-04.

Conditions:
Hereditary cancer-predisposing syndrome. Also called: Hereditary Cancer Syndrome; Hereditary neoplastic syndrome; Tumor predisposition; Neoplastic Syndromes, Hereditary. Identifiers: Orphanet 140162, MedGen C0027672, MeSH D009386, MONDO:0015356.
Cardiovascular phenotype. Identifiers: MedGen CN230736.
Noonan syndrome 2 (NS2). Identifiers: Orphanet 648, MedGen C1854469, MONDO:0011531, OMIM 605275.
LZTR1-related schwannomatosis. Also called: Schwannomatosis-2, susceptibility to; Schwannomatosis 2. Identifiers: Orphanet 93921, MedGen C3810283, MONDO:0014299, OMIM 615670.

Allele frequency attached by ClinVar (database versions not stated): gnomAD 0.00001.
gnomAD v4.1: 6 of 1,613,494 alleles (0.00037%); highest among the groups gnomAD compares: Non-Finnish European, 0.00051%; no homozygotes.

Submissions (4):

Ambry Genetics
Classification: Uncertain significance for Cardiovascular phenotype; Hereditary cancer-predisposing syndrome. Last evaluated: 2024-12-04. Review status: criteria provided, single submitter. Criteria: Ambry Variant Classification Scheme 2023. Collection method: clinical testing. Allele origin: germline.
Comment: The p.Q775H variant (also known as c.2325G>T), located in coding exon 19 of the LZTR1 gene, results from a G to T substitution at nucleotide position 2325. The amino acid change results in glutamine to histidine at codon 775, an amino acid with highly similar properties. However, this change occurs in the last base pair of coding exon 19, which makes it likely to have some effect on normal mRNA splicing. This nucleotide position is highly conserved in available vertebrate species, and this amino acid position is highly conserved in available vertebrate species. In silico splice site analysis predicts that this alteration will weaken the native splice donor site. In addition, as a missense substitution, this is predicted to be deleterious by in silico analysis. Based on the available evidence, the clinical significance of this variant remains unclear.

Labcorp Genetics (formerly Invitae), Labcorp
Classification: Uncertain significance. Last evaluated: 2024-05-21. Review status: criteria provided, single submitter. Criteria: Invitae Variant Classification Sherloc (09022015). Collection method: clinical testing. Allele origin: germline.
Comment: This sequence change replaces glutamine, which is neutral and polar, with histidine, which is basic and polar, at codon 775 of the LZTR1 protein (p.Gln775His). This variant also falls at the last nucleotide of exon 19, which is part of the consensus splice site for this exon. This variant is present in population databases (no rsID available, gnomAD 0.007%). This variant has not been reported in the literature in individuals affected with LZTR1-related conditions. ClinVar contains an entry for this variant (Variation ID: 1789645). An algorithm developed to predict the effect of missense changes on protein structure and function (PolyPhen-2) suggests that this variant is likely to be tolerated. Variants that disrupt the consensus splice site are a relatively common cause of aberrant splicing (PMID: 17576681, 9536098). Algorithms developed to predict the effect of sequence changes on RNA splicing suggest that this variant may disrupt the consensus splice site. In summary, the available evidence is currently insufficient to determine the role of this variant in disease. Therefore, it has been classified as a Variant of Uncertain Significance.

Baylor Genetics
Classification: Uncertain significance for LZTR1-related schwannomatosis. Last evaluated: 2023-08-09. Review status: criteria provided, single submitter. Criteria: ACMG Guidelines, 2015. Collection method: clinical testing. Allele origin: unknown.

Victorian Clinical Genetics Services, Murdoch Childrens Research Institute
Classification: Uncertain significance for Noonan syndrome 2. Last evaluated: 2021-05-06. Review status: criteria provided, single submitter. Criteria: ACMG Guidelines, 2015. Collection method: clinical testing. Allele origin: germline. Inheritance: Autosomal recessive inheritance. Affected: yes.
Comment: Based on the classification scheme VCGS_Germline_v1.3.4, this variant is classified as VUS-3B. Following criteria are met: 0103 - Dominant negative is a likely mechanism of disease in this gene associated with autosomal dominant Noonan syndrome (MIM#616564). Loss of function is a potential mechanism of disease in this gene associated with autosomal recessive Noonan syndrome (MIM#605275) (PMID:30481304). (I) 0108 - This gene is associated with both recessive and dominant disease. (PMID:25795793, 29469822). (I) 0212 - Non-canonical splice site variant without proven consequence on splicing (no functional evidence available). (SP) 0251 - This variant is heterozygous. (I) 0304 - Variant is present in gnomAD (v2) <0.01 for a recessive condition (1 heterozygote, 0 homozygotes). (SP) 0505 - Abnormal splicing is predicted by in silico tools and affected nucleotide is highly conserved. (SP) 0600 - Variant is located in the annotated BACK domain (NCBI Conserved domain). (I) 0705 - No comparable missense variants have previous evidence for pathogenicity. (I) 0809 - Previous evidence of pathogenicity for this variant is inconclusive. This variant has been reported in the public LOVD database with no provided evidence. (I) 0905 - No published segregation evidence has been identified for this variant. (I) 1007 - No published functional evidence has been identified for this variant. (I) Legend: (SP) - Supporting pathogenic, (I) - Information, (SB) - Supporting benign

Literature cited by the submitters: PubMed 17576681 (cited by Labcorp Genetics (formerly Invitae), Labcorp); PubMed 9536098 (cited by Labcorp Genetics (formerly Invitae), Labcorp); PubMed 25795793 (cited by Victorian Clinical Genetics Services, Murdoch Childrens Research Institute); PubMed 29469822 (cited by Victorian Clinical Genetics Services, Murdoch Childrens Research Institute); PubMed 30481304 (cited by Victorian Clinical Genetics Services, Murdoch Childrens Research Institute).

NM_006767.4(LZTR1):c.2325G>T (p.Gln775His)

Gene: LZTR1 (leucine zipper like post translational regulator 1; plus strand). Cytogenetic location: 22q11.21.
Variant type: single nucleotide variant.
Coding change: c.2325G>T on transcript NM_006767.4 (MANE Select); coding-DNA position 2325, G replaced by T.
Protein change: p.Gln775His; replaces glutamine 775 with histidine.
Molecular consequence: missense variant.
Genome position (GRCh38, 1-based): chr22:20,996,801, G>T. VCF-style: chr22-20996801-G-T. GRCh37 (hg19) VCF-style: chr22-21351090-G-T.
Other names: short protein forms Q775H.
Identifiers: ClinVar variation 1789645 (VCV001789645.9), dbSNP rs377557832, ClinGen allele CA410780949.
Genomic context (GRCh38, chr22:20,996,801, plus strand): 5'-GCTGCAGGCGTACTGCAAGCAGAACCTGGAGATGAACGTGACGGTGCAGAACGTGCTGCA[G>T]GTAGCCCCCCAGCCCCGTGCACATGGCTGCAGCTCCCACTGAGTGGGTGAAAGGGGCAGC-3'
Protein context (NP_006758.2, residues 765-785): EMNVTVQNVL[Gln775His]ILEAADKTQA